The following is an entry in ClinVar:

NM_006755.2(TALDO1):c.945T>C (p.Phe315=)

Gene: TALDO1 (transaldolase 1; plus strand). Cytogenetic location: 11p15.5.
Variant type: single nucleotide variant.
Coding change: c.945T>C on transcript NM_006755.2 (MANE Select); coding-DNA position 945, T replaced by C.
Protein change: p.Phe315=; no amino-acid change (phenylalanine 315 retained).
Molecular consequence: synonymous variant.
Genome position (GRCh38, 1-based): chr11:764,397, T>C. VCF-style: chr11-764397-T-C. GRCh37 (hg19) VCF-style: chr11-764397-T-C.
Other names: c.945T>C (NM_006755.1).
Identifiers: ClinVar variation 1944199 (VCV001944199.6), dbSNP rs150892505, ClinGen allele CA5788361.
Genomic context (GRCh38, chr11:764,397, plus strand): 5'-TTGGTTGCACAACGAGGACCAGATGGCTGTGGAGAAGCTCTCTGACGGGATCCGCAAGTT[T>C]GCCGCTGATGCAGTGAAGCTGGAGCGGATGCTGACAGTGAGTGTTGTGTGTGGGTACCTA-3'
Protein context (NP_006746.1, residues 305-325): VEKLSDGIRK[Phe315=]AADAVKLERM

ClinVar aggregate classification (germline): Likely benign. Review status: criteria provided, multiple submitters, no conflicts (2 of 4 stars). 2 submissions from 2 submitters: Likely benign (2). Last evaluated 2025-08-18.

Conditions:
TALDO1-related disorder. Also called: TALDO1-related condition.

Allele frequency attached by ClinVar (database versions not stated): gnomAD exomes below 0.00001; ExAC 0.00002; gnomAD 0.00002; TOPMed 0.00005; ESP Exome Variant Server 0.00008.
gnomAD v4.1: 12 of 1,612,520 alleles (0.00074%); highest among the groups gnomAD compares: Middle Eastern, 0.016%; no homozygotes.

Submissions (2):

Labcorp Genetics (formerly Invitae), Labcorp
Classification: Likely benign. Last evaluated: 2025-08-18. Review status: criteria provided, single submitter. Criteria: Invitae Variant Classification Sherloc (09022015). Collection method: clinical testing. Allele origin: germline.

PreventionGenetics, part of Exact Sciences
Classification: Likely benign for TALDO1-related condition. Last evaluated: 2025-05-08. Review status: criteria provided, single submitter. Criteria: ACMG Guidelines, 2015. Collection method: clinical testing. Allele origin: germline.
Comment: This variant is classified as likely benign based on ACMG/AMP sequence variant interpretation guidelines (Richards et al. 2015 PMID: 25741868, with internal and published modifications).